The following is an entry in ClinVar:

ClinVar aggregate classification (germline): Uncertain significance (1 of 4 stars; one submission).

Submission:

GeneDx
Classification: Uncertain significance. Last evaluated: 2025-06-17. Review status: criteria provided, single submitter. Criteria: GeneDx Variant Classification Process June 2021. Collection method: clinical testing. Allele origin: germline. Affected: yes.
Comment: Not observed at significant frequency in large population cohorts (gnomAD); In silico analysis suggests that this missense variant does not alter protein structure/function; Has not been previously published as pathogenic or benign to our knowledge

NM_020794.2:c.3560G>C

Gene: LRRC7 (leucine rich repeat containing 7; plus strand).
Variant type: single nucleotide variant.
Identifiers: ClinVar variation 4538659 (VCV004538659.1).